The following is an entry in ClinVar:

NM_001370259.2(MEN1):c.44C>T (p.Ser15Phe)

Gene: MEN1 (menin 1; minus strand). Cytogenetic location: 11q13.1.
Variant type: single nucleotide variant.
Coding change: c.44C>T on transcript NM_001370259.2 (MANE Select); coding-DNA position 44, C replaced by T.
Protein change: p.Ser15Phe; replaces serine 15 with phenylalanine.
Molecular consequence: missense variant.
Genome position (GRCh38, 1-based): chr11:64,810,066, G>A on the plus strand (C>T on the coding strand, the complement: MEN1 is on the minus strand). VCF-style: chr11-64810066-G-A. GRCh37 (hg19) VCF-style: chr11-64577538-G-A.
Other names: c.44C>T, p.Ser15Phe (NM_130799.3, NM_130800.3, NM_130801.3 and 9 more transcripts); short protein forms S15F.
Identifiers: ClinVar variation 841339 (VCV000841339.10), dbSNP rs1056705868, ClinGen allele CA223917312.

ClinVar aggregate classification (germline): Uncertain significance. Review status: criteria provided, multiple submitters, no conflicts (2 of 4 stars). 2 submissions from 2 submitters: Uncertain significance (2). Last evaluated 2025-07-27.

Conditions:
Hereditary cancer-predisposing syndrome. Also called: Neoplastic Syndromes, Hereditary; Hereditary neoplastic syndrome; Tumor predisposition; Hereditary Cancer Syndrome. Identifiers: Orphanet 140162, MedGen C0027672, MeSH D009386, MONDO:0015356.
Multiple endocrine neoplasia, type 1 (MEN1). Also called: MEA I; MEN I; WERMER SYNDROME; Endocrine adenomatosis multiple; MEN 1. Identifiers: Orphanet 652, MedGen C0025267, MeSH D018761, MONDO:0007540, OMIM 131100.

Allele frequency attached by ClinVar (database versions not stated): TOPMed below 0.00001.
gnomAD v4.1: 2 of 1,608,188 alleles (0.00012%); highest among the groups gnomAD compares: Non-Finnish European, 0.00017%; no homozygotes.

Submissions (2):

Labcorp Genetics (formerly Invitae), Labcorp
Classification: Uncertain significance for Multiple endocrine neoplasia, type 1. Last evaluated: 2025-07-27. Review status: criteria provided, single submitter. Criteria: Invitae Variant Classification Sherloc (09022015). Collection method: clinical testing. Allele origin: germline.
Comment: This sequence change replaces serine, which is neutral and polar, with phenylalanine, which is neutral and non-polar, at codon 15 of the MEN1 protein (p.Ser15Phe). This variant is present in population databases (no rsID available, gnomAD 0.01%). This variant has not been reported in the literature in individuals affected with MEN1-related conditions. ClinVar contains an entry for this variant (Variation ID: 841339). Invitae Evidence Modeling of protein sequence and biophysical properties (such as structural, functional, and spatial information, amino acid conservation, physicochemical variation, residue mobility, and thermodynamic stability) indicates that this missense variant is expected to disrupt MEN1 protein function with a positive predictive value of 95%. In summary, the available evidence is currently insufficient to determine the role of this variant in disease. Therefore, it has been classified as a Variant of Uncertain Significance.

Ambry Genetics
Classification: Uncertain significance for Hereditary cancer-predisposing syndrome. Last evaluated: 2023-11-02. Review status: criteria provided, single submitter. Criteria: Ambry Variant Classification Scheme 2023. Collection method: clinical testing. Allele origin: germline.
Comment: The p.S15F variant (also known as c.44C>T), located in coding exon 1 of the MEN1 gene, results from a C to T substitution at nucleotide position 44. The serine at codon 15 is replaced by phenylalanine, an amino acid with highly dissimilar properties. This amino acid position is conserved. In addition, the in silico prediction for this alteration is inconclusive. Since supporting evidence is limited at this time, the clinical significance of this alteration remains unclear.